The following is an entry in ClinVar:

NM_014712.3(SETD1A):c.2165A>T (p.Gln722Leu)

Gene: SETD1A (SET domain containing 1A, histone lysine methyltransferase; plus strand). Cytogenetic location: 16p11.2.
Variant type: single nucleotide variant.
Coding change: c.2165A>T on transcript NM_014712.3 (MANE Select); coding-DNA position 2165, A replaced by T.
Protein change: p.Gln722Leu; replaces glutamine 722 with leucine.
Molecular consequence: missense variant.
Genome position (GRCh38, 1-based): chr16:30,966,046, A>T. VCF-style: chr16-30966046-A-T. GRCh37 (hg19) VCF-style: chr16-30977367-A-T.
Other names: short protein forms Q722L.
Identifiers: ClinVar variation 4848465 (VCV004848465.1).

ClinVar aggregate classification (germline): Likely benign (1 of 4 stars; one submission).

Submission:

Women's Health and Genetics/Laboratory Corporation of America, LabCorp
Classification: Likely benign. Last evaluated: 2026-04-30. Review status: criteria provided, single submitter. Criteria: LabCorp Variant Classification Summary - May 2015. Collection method: clinical testing. Allele origin: germline.
Comment: Variant summary: SETD1A c.2165A>T (p.Gln722Leu) results in a non-conservative amino acid change in the encoded protein sequence. Algorithms developed to predict the effect of missense changes on protein structure and function all suggest that this variant is likely to be disruptive. The variant allele was found at a frequency of 1.7e-05 in 1563062 control chromosomes, predominantly at a frequency of 2.3e-05 within the Non-Finnish European subpopulation in the gnomAD database. The occurrence in several carriers suggests that this variant is likely not associated with a high penetrance, severe, early onset disease phenotype in heterozygous state. To our knowledge, no occurrence of c.2165A>T in individuals affected with SETD1A-related conditions and no experimental evidence demonstrating its impact on protein function have been reported. No submitters have cited clinical-significance assessments for this variant to ClinVar. Based on the evidence outlined above, the variant was classified as likely benign.